The following is an entry in ClinVar:

NM_138420.4(AHNAK2):c.10108G>C (p.Gly3370Arg)

Gene: AHNAK2 (AHNAK nucleoprotein 2; minus strand). Cytogenetic location: 14q32.33.
Variant type: single nucleotide variant.
Coding change: c.10108G>C on transcript NM_138420.4 (MANE Select); coding-DNA position 10108, G replaced by C.
Protein change: p.Gly3370Arg; replaces glycine 3370 with arginine.
Molecular consequence: missense variant.
Genome position (GRCh38, 1-based): chr14:104,945,343, C>G on the plus strand (G>C on the coding strand, the complement: AHNAK2 is on the minus strand). VCF-style: chr14-104945343-C-G. GRCh37 (hg19) VCF-style: chr14-105411680-C-G.
Other names: c.9808G>C, p.Gly3270Arg (NM_001350929.2); short protein forms G3270R, G3370R.
Identifiers: ClinVar variation 4821231 (VCV004821231.4).
Genomic context (GRCh38, chr14:104,945,343, plus strand): 5'-GCCCTTTGAGGCCAGCTCCCTCGGGCACGTGGCCCTCCGGGAGCTTCACGTCCACCTGGC[C>G]AGCCTGGACCTCCAGGTCCACAGAAGGGAGCTGAATGCTGAGGTCAGTGGTCTTGAGGTC-3'
Protein context (NP_612429.2, residues 3360-3380): LPSVDLEVQA[Gly3370Arg]QVDVKLPEGH

ClinVar aggregate classification (germline): Likely benign (1 of 4 stars; one submission).

gnomAD v4.1: 165 of 1,612,766 alleles (0.01%); highest among the groups gnomAD compares: Middle Eastern, 0.15%; 1 homozygote.

Submission:

CeGaT Center for Human Genetics Tuebingen
Classification: Likely benign. Last evaluated: 2026-01-01. Review status: criteria provided, single submitter. Criteria: CeGaT Center For Human Genetics Tuebingen Variant Classification Criteria Version 2. Collection method: clinical testing. Allele origin: germline. Affected: yes. Observed: 1 variant allele.
Comment: AHNAK2: BP4